The following is an entry in ClinVar:

NM_000260.4(MYO7A):c.2754C>T (p.Ala918=)

Gene: MYO7A (myosin VIIA; plus strand). Cytogenetic location: 11q13.5.
Variant type: single nucleotide variant.
Coding change: c.2754C>T on transcript NM_000260.4 (MANE Select); coding-DNA position 2754, C replaced by T.
Protein change: p.Ala918=; no amino-acid change (alanine 918 retained).
Molecular consequence: synonymous variant.
Genome position (GRCh38, 1-based): chr11:77,181,439, C>T. VCF-style: chr11-77181439-C-T. GRCh37 (hg19) VCF-style: chr11-76892485-C-T.
Other names: p.A918A:GCC>GCT; c.2754C>T, p.Ala918= (NM_001127180.2); c.2721C>T, p.Ala907= (NM_001369365.1).
Identifiers: ClinVar variation 43188 (VCV000043188.21), dbSNP rs78072361, ClinGen allele CA132259.
Genomic context (GRCh38, chr11:77,181,439, plus strand): 5'-GGAGCGCCTGGCCCAGCTGGCTCGTGAGGACGCTGAGCGGGAGCTGAAGGAGAAGGAGGC[C>T]GCTCGGCGGAAGAAGGAGCTCCTGGAGCAGATGGAAAGGGCCCGCCATGAGCCTGTCAAT-3'
Protein context (NP_000251.3, residues 908-928): DAERELKEKE[Ala918=]ARRKKELLEQ

ClinVar aggregate classification (germline): Benign/Likely benign. Review status: criteria provided, multiple submitters, no conflicts (2 of 4 stars). 8 submissions from 6 submitters: Benign (5); Likely benign (2). 1 of the submissions does not count toward it. Last evaluated 2026-02-04.

Conditions:
Usher syndrome type 1 (USH1). Also called: RETINITIS PIGMENTOSA AND CONGENITAL DEAFNESS. Identifiers: Orphanet 231169, Orphanet 886, MedGen C1568247, MONDO:0010168, OMIM 276900.
Usher syndrome type 1B (USH1B). Also called: Usher syndrome type IB. Identifiers: MedGen C1848638, MONDO:0700087.
Autosomal recessive nonsyndromic hearing loss 2. Also called: DEAFNESS, AUTOSOMAL RECESSIVE 2; NEUROSENSORY NONSYNDROMIC RECESSIVE DEAFNESS 2. Identifiers: Orphanet 90636, MedGen C1838701, MONDO:0010807, OMIM 600060.
Autosomal dominant nonsyndromic hearing loss 11. Identifiers: Orphanet 90635, MedGen C1832475, MONDO:0011032, OMIM 601317.

Allele frequency attached by ClinVar (database versions not stated): ESP Exome Variant Server 0.01018; gnomAD exomes 0.00370; gnomAD 0.01074 and 0.00989; TOPMed 0.01110; 1000 Genomes Project 0.00859; ExAC 0.00862; 1000 Genomes Project 30x 0.00874.

Submissions (8):

Labcorp Genetics (formerly Invitae), Labcorp
Classification: Benign. Last evaluated: 2026-02-04. Review status: criteria provided, single submitter. Criteria: Invitae Variant Classification Sherloc (09022015). Collection method: clinical testing. Allele origin: germline.

Illumina Laboratory Services, Illumina
Classification: Likely benign for Autosomal recessive nonsyndromic hearing loss 2. Last evaluated: 2018-01-12. Review status: criteria provided, single submitter. Criteria: ICSL Variant Classification Criteria 13 December 2019. Collection method: clinical testing. Allele origin: germline.
Comment: This variant was observed in the ICSL laboratory as part of a predisposition screen in an ostensibly healthy population. It had not been previously curated by ICSL or reported in the Human Gene Mutation Database (HGMD: prior to June 1st, 2018), and was therefore a candidate for classification through an automated scoring system. Utilizing variant allele frequency, disease prevalence and penetrance estimates, and inheritance mode, an automated score was calculated to assess if this variant is too frequent to cause the disease. Based on the score and internal cut-off values, a variant classified as likely benign is not then subjected to further curation. The score for this variant resulted in a classification of likely benign for this disease.

Illumina Laboratory Services, Illumina
Classification: Benign for Autosomal dominant nonsyndromic hearing loss 11. Last evaluated: 2018-01-12. Review status: criteria provided, single submitter. Criteria: ICSL Variant Classification Criteria 13 December 2019. Collection method: clinical testing. Allele origin: germline.
Comment: This variant was observed in the ICSL laboratory as part of a predisposition screen in an ostensibly healthy population. It had not been previously curated by ICSL or reported in the Human Gene Mutation Database (HGMD: prior to June 1st, 2018), and was therefore a candidate for classification through an automated scoring system. Utilizing variant allele frequency, disease prevalence and penetrance estimates, and inheritance mode, an automated score was calculated to assess if this variant is too frequent to cause the disease. Based on the score and internal cut-off values, a variant classified as benign is not then subjected to further curation. The score for this variant resulted in a classification of benign for this disease.

Illumina Laboratory Services, Illumina
Classification: Benign for Usher syndrome type 1. Last evaluated: 2018-01-12. Review status: criteria provided, single submitter. Criteria: ICSL Variant Classification Criteria 13 December 2019. Collection method: clinical testing. Allele origin: germline.
Comment: the same text as in the submission from Illumina Laboratory Services, Illumina above.

GeneDx
Classification: Benign. Last evaluated: 2014-05-05. Review status: criteria provided, single submitter. Criteria: GeneDx Variant Classification (06012015). Collection method: clinical testing. Allele origin: germline. Affected: yes.
Comment: This variant is considered likely benign or benign based on one or more of the following criteria: it is a conservative change, it occurs at a poorly conserved position in the protein, it is predicted to be benign by multiple in silico algorithms, and/or has population frequency not consistent with disease.

Laboratory for Molecular Medicine, Mass General Brigham Personalized Medicine
Classification: Benign. Last evaluated: 2011-12-15. Review status: criteria provided, single submitter. Criteria: LMM Criteria. Collection method: clinical testing. Allele origin: germline. Observed: 22 variant alleles.
Comment: Ala918Ala in exon 23 of MYO7A: This variant is not expected to have clinical sig nificance because it has been identified in 2.6% (87/3312) of chromosomes from a broad African American population and 0.2% (15/6708) of chromosomes from a broa d European American population (dbSNP rs78072361).

Breakthrough Genomics
Classification: Likely benign. Review status: criteria provided, single submitter. Criteria: ACMG Guidelines, 2015. Collection method: not provided. Allele origin: germline. Inheritance: Autosomal recessive inheritance. Affected: yes.

Natera, Inc.
Classification: Benign for Usher syndrome type 1B. Last evaluated: 2020-09-16. Review status: no assertion criteria provided. Collection method: clinical testing. Allele origin: germline. Not counted in ClinVar's aggregate classification.